The following is an entry in ClinVar:

ClinVar aggregate classification (germline): Uncertain significance (1 of 4 stars; one submission).

Conditions:
BPTF-related disorder. Also called: BPTF-related condition.

Submission:

PreventionGenetics, part of Exact Sciences
Classification: Uncertain significance for BPTF-related condition. Last evaluated: 2022-09-29. Review status: criteria provided, single submitter. Criteria: ACMG Guidelines, 2015. Collection method: clinical testing. Allele origin: germline.
Comment: The BPTF c.653T>C variant is predicted to result in the amino acid substitution p.Ile218Thr. To our knowledge, this variant has not been reported in the literature or in a large population database, indicating this variant is rare. At this time, the clinical significance of this variant is uncertain due to the absence of conclusive functional and genetic evidence.

NM_182641.4(BPTF):c.653T>C (p.Ile218Thr)

Gene: BPTF (bromodomain PHD finger transcription factor; plus strand). Cytogenetic location: 17q24.2.
Variant type: single nucleotide variant.
Coding change: c.653T>C on transcript NM_182641.4 (MANE Select); coding-DNA position 653, T replaced by C.
Protein change: p.Ile218Thr; replaces isoleucine 218 with threonine.
Molecular consequence: missense variant.
Genome position (GRCh38, 1-based): chr17:67,853,979, T>C. VCF-style: chr17-67853979-T-C. GRCh37 (hg19) VCF-style: chr17-65850095-T-C.
Other names: c.653T>C, p.Ile218Thr (NM_004459.7); short protein forms I218T.
Identifiers: ClinVar variation 2628420 (VCV002628420.1), dbSNP rs2510089363, ClinGen allele CA400719640.
Genomic context (GRCh38, chr17:67,853,979, plus strand): 5'-ATGTCACGTCTTTATCTACAGGTAGGCGAAAACCAAGAGTACATCGGCCTCGTTCTCCTA[T>C]ATTGGAAGAAAAAGACATCCCGCCCCTTGAATTTCCCAAGTCCTCTGAGGATTTAATGGT-3'
Protein context (NP_872579.2, residues 208-228): KPRVHRPRSP[Ile218Thr]LEEKDIPPLE